The following is an entry in ClinVar:

NM_012062.5(DNM1L):c.1884+6C>A

Gene: DNM1L (dynamin 1 like; plus strand). Cytogenetic location: 12p11.21.
Variant type: single nucleotide variant.
Coding change: c.1884+6C>A on transcript NM_012062.5 (MANE Select); 6 bases into the intron after coding-DNA position 1884, C replaced by A.
Molecular consequence: intron variant.
Genome position (GRCh38, 1-based): chr12:32,740,246, C>A. VCF-style: chr12-32740246-C-A. GRCh37 (hg19) VCF-style: chr12-32893180-C-A.
Other names: c.1923+6C>A (NM_001278464.2); c.1890+6C>A (NM_001278465.2); c.1812+6C>A (NM_001330380.2); c.1275+6C>A (NM_001278466.2); c.1851+6C>A (NM_001278463.2); c.1806+6C>A (NM_012063.4); c.1773+6C>A (NM_005690.5).
Identifiers: ClinVar variation 4731056 (VCV004731056.1).

ClinVar aggregate classification (germline): Uncertain significance (1 of 4 stars; one submission).

Submission:

Labcorp Genetics (formerly Invitae), Labcorp
Classification: Uncertain significance. Last evaluated: 2025-11-12. Review status: criteria provided, single submitter. Criteria: Invitae Variant Classification Sherloc (09022015). Collection method: clinical testing. Allele origin: germline.
Comment: This sequence change falls in intron 17 of the DNM1L gene. It does not directly change the encoded amino acid sequence of the DNM1L protein. It affects a nucleotide within the consensus splice site. This variant is not present in population databases (gnomAD no frequency). This variant has not been reported in the literature in individuals affected with DNM1L-related conditions. Variants that disrupt the consensus splice site are a relatively common cause of aberrant splicing (PMID: 17576681, 9536098). Algorithms developed to predict the effect of sequence changes on RNA splicing suggest that this variant is not likely to affect RNA splicing. In summary, the available evidence is currently insufficient to determine the role of this variant in disease. Therefore, it has been classified as a Variant of Uncertain Significance.

Literature cited by the submitters: PubMed 17576681; PubMed 9536098.